The following is an entry in ClinVar:

ClinVar aggregate classification (germline): Uncertain significance (1 of 4 stars; one submission).

Conditions:
Inborn genetic diseases. Identifiers: MedGen C0950123, MeSH D030342.

Submission:

Ambry Genetics
Classification: Uncertain significance for Inborn genetic diseases. Last evaluated: 2024-12-23. Review status: criteria provided, single submitter. Criteria: Ambry Variant Classification Scheme 2023. Collection method: clinical testing. Allele origin: germline.
Comment: The p.T404P variant (also known as c.1210A>C), located in coding exon 5 of the SH2B3 gene, results from an A to C substitution at nucleotide position 1210. The threonine at codon 404 is replaced by proline, an amino acid with highly similar properties. This amino acid position is conserved. In addition, this alteration is predicted to be deleterious by in silico analysis. Based on the available evidence, the clinical significance of this variant remains unclear.

NM_005475.3(SH2B3):c.1210A>C (p.Thr404Pro)

Gene: SH2B3 (SH2B adaptor protein 3; plus strand). Cytogenetic location: 12q24.12.
Variant type: single nucleotide variant.
Coding change: c.1210A>C on transcript NM_005475.3 (MANE Select); coding-DNA position 1210, A replaced by C.
Protein change: p.Thr404Pro; replaces threonine 404 with proline.
Molecular consequence: missense variant.
Genome position (GRCh38, 1-based): chr12:111,447,518, A>C. VCF-style: chr12-111447518-A-C. GRCh37 (hg19) VCF-style: chr12-111885322-A-C.
Other names: c.604A>C, p.Thr202Pro (NM_001291424.1); short protein forms T202P, T404P.
Identifiers: ClinVar variation 3795039 (VCV003795039.1).